The following is an entry in ClinVar:

NM_000069.3(CACNA1S):c.3063C>G (p.Tyr1021Ter)

Gene: CACNA1S (calcium voltage-gated channel subunit alpha1 S; minus strand). Cytogenetic location: 1q32.1.
Variant type: single nucleotide variant.
Coding change: c.3063C>G on transcript NM_000069.3 (MANE Select); coding-DNA position 3063, C replaced by G.
Protein change: p.Tyr1021Ter; replaces tyrosine 1021 with a stop codon.
Molecular consequence: nonsense.
Genome position (GRCh38, 1-based): chr1:201,061,459, G>C on the plus strand (C>G on the coding strand, the complement: CACNA1S is on the minus strand). VCF-style: chr1-201061459-G-C. GRCh37 (hg19) VCF-style: chr1-201030587-G-C.
Other names: short protein forms Y1021*.
Identifiers: ClinVar variation 3075435 (VCV003075435.1), dbSNP rs2464498253, ClinGen allele CA344162972.
Genomic context (GRCh38, chr1:201,061,459, plus strand): 5'-CATCTCCACACGGTTGTTGTAGATGGGACCCACGTCCTCCGCATTGGAGTCTATGGCCTT[G>C]TACAGCAGCCTGGGGGTGGGCAGAGAAGAGAGGACAGACTGGGTGGGGTGACAAGGCAGA-3'

ClinVar aggregate classification (germline): Uncertain significance (1 of 4 stars; one submission).

Conditions:
Malignant hyperthermia, susceptibility to, 5 (MHS5). Also called: CACNA1S-Related Malignant Hyperthermia Susceptibility. Identifiers: Orphanet 423, MedGen C1866077, MONDO:0011163, OMIM 601887.

Submission:

All of Us Research Program, National Institutes of Health
Classification: Uncertain significance for Malignant hyperthermia, susceptibility to, 5. Last evaluated: 2024-02-05. Review status: criteria provided, single submitter. Criteria: ACMG Guidelines, 2015. Collection method: clinical testing. Allele origin: germline. Inheritance: Autosomal dominant inheritance. Observed: 1 variant allele, 1 heterozygote.
Comment: This variant changes 1 nucleotide in exon 25/44 of the CACNA1S gene, creating a premature translation stop signal. This variant is expected to result in an absent or non-functional protein product. To our knowledge, this variant has not been reported in individuals affected with CACNA1S-related disorders in the literature. This variant has not been identified in the general population by the Genome Aggregation Database (gnomAD). Loss of CACNA1S function due to truncation variants is not an established disease mechanism for autosomal dominant malignant hyperthermia, although it is associated with other phenotype(s). Due to insufficient evidence, this variant is classified as a Variant of Uncertain Significance for autosomal dominant malignant hyperthermia.

This study involves interpretation of variants in research participants for the purpose of population health screening. Participant phenotype was not available at the time of variant classification. Additional details can be found in publication PMID: 35346344, PMCID: PMC8962531